The following is an entry in ClinVar:

NM_020778.5(ALPK3):c.2093T>G (p.Met698Arg)

Gene: ALPK3 (alpha kinase 3; plus strand). Cytogenetic location: 15q25.3.
Variant type: single nucleotide variant.
Coding change: c.2093T>G on transcript NM_020778.5 (MANE Select); coding-DNA position 2093, T replaced by G.
Protein change: p.Met698Arg; replaces methionine 698 with arginine.
Molecular consequence: missense variant.
Genome position (GRCh38, 1-based): chr15:84,856,831, T>G. VCF-style: chr15-84856831-T-G. GRCh37 (hg19) VCF-style: chr15-85400062-T-G.
Other names: c.2699T>G (NM_020778.4); short protein forms M698R.
Identifiers: ClinVar variation 1355552 (VCV001355552.9), dbSNP rs1963867504, ClinGen allele CA393355903.

ClinVar aggregate classification (germline): Uncertain significance. Review status: criteria provided, multiple submitters, no conflicts (2 of 4 stars). 2 submissions from 2 submitters: Uncertain significance (2). Last evaluated 2024-12-07.

Conditions:
Cardiovascular phenotype. Identifiers: MedGen CN230736.

Allele frequency attached by ClinVar (database versions not stated): gnomAD exomes below 0.00001.

Submissions (2):

Ambry Genetics
Classification: Uncertain significance for Cardiovascular phenotype. Last evaluated: 2024-12-07. Review status: criteria provided, single submitter. Criteria: Ambry Variant Classification Scheme 2023. Collection method: clinical testing. Allele origin: germline.
Comment: The p.M900R variant (also known as c.2699T>G), located in coding exon 6 of the ALPK3 gene, results from a T to G substitution at nucleotide position 2699. The methionine at codon 900 is replaced by arginine, an amino acid with similar properties. This amino acid position is conserved. In addition, this alteration is predicted to be tolerated by in silico analysis. Based on the available evidence, the clinical significance of this variant remains unclear.

Labcorp Genetics (formerly Invitae), Labcorp
Classification: Uncertain significance. Last evaluated: 2021-05-20. Review status: criteria provided, single submitter. Criteria: Invitae Variant Classification Sherloc (09022015). Collection method: clinical testing. Allele origin: germline.
Comment: In summary, the available evidence is currently insufficient to determine the role of this variant in disease. Therefore, it has been classified as a Variant of Uncertain Significance. Algorithms developed to predict the effect of missense changes on protein structure and function are either unavailable or do not agree on the potential impact of this missense change (SIFT: "Deleterious"; PolyPhen-2: "Not Available"; Align-GVGD: "Class C0"). This variant has not been reported in the literature in individuals with ALPK3-related conditions. This variant is not present in population databases (ExAC no frequency). This sequence change replaces methionine with arginine at codon 900 of the ALPK3 protein (p.Met900Arg). The methionine residue is weakly conserved and there is a moderate physicochemical difference between methionine and arginine.